The following is an entry in ClinVar:

ClinVar aggregate classification (germline): Uncertain significance (1 of 4 stars; one submission).

Submission:

Ambry Genetics
Classification: Uncertain significance. Last evaluated: 2022-12-03. Review status: criteria provided, single submitter. Criteria: Ambry Variant Classification Scheme 2023. Collection method: clinical testing. Allele origin: germline.
Comment: The p.C42Y variant (also known as c.125G>A), located in coding exon 1 of the PRKDC gene, results from a G to A substitution at nucleotide position 125. The cysteine at codon 42 is replaced by tyrosine, an amino acid with highly dissimilar properties. This amino acid position is conserved. In addition, the in silico prediction for this alteration is inconclusive. Since supporting evidence is limited at this time, the clinical significance of this alteration remains unclear.

NM_006904.7(PRKDC):c.125G>A (p.Cys42Tyr)

Gene: PRKDC (protein kinase, DNA-activated, catalytic subunit; minus strand). Cytogenetic location: 8q11.21.
Variant type: single nucleotide variant.
Coding change: c.125G>A on transcript NM_006904.7 (MANE Select); coding-DNA position 125, G replaced by A.
Protein change: p.Cys42Tyr; replaces cysteine 42 with tyrosine.
Molecular consequence: missense variant.
Genome position (GRCh38, 1-based): chr8:47,960,002, C>T on the plus strand (G>A on the coding strand, the complement: PRKDC is on the minus strand). VCF-style: chr8-47960002-C-T. GRCh37 (hg19) VCF-style: chr8-48872562-C-T.
Other names: c.125G>A, p.Cys42Tyr (NM_001081640.2); short protein forms C42Y.
Identifiers: ClinVar variation 2449831 (VCV002449831.2), dbSNP rs2551882723, ClinGen allele CA371142687.
Genomic context (GRCh38, chr8:47,960,002, plus strand): 5'-CACCCGCGGCCCAGCTCGGGCCGGTACCCACCCAGCACCGCGGGGCTGCTGCTCAGGACG[C>T]ATTCCTGCCCCAGGCCGCGGATCAGTTGATGACCGGCCAGGGCAGCACCGCAGCGGTCCG-3'
Protein context (NP_008835.5, residues 32-52): HQLIRGLGQE[Cys42Tyr]VLSSSPAVLA